The following continues an entry in ClinVar:

NM_001943.5(DSG2):c.1592T>G (p.Phe531Cys)

Gene: DSG2. ClinVar aggregate classification (germline): Conflicting classifications of pathogenicity. Likely pathogenic (4); Uncertain significance (7); Likely benign (1).

Submissions 5 to 12 of 12:

Ambry Genetics
Classification: Likely pathogenic for Cardiovascular phenotype. Last evaluated: 2024-12-04. Review status: criteria provided, single submitter. Criteria: Ambry Variant Classification Scheme 2023. Collection method: clinical testing. Allele origin: germline.
Comment: The p.F531C variant (also known as c.1592T>G), located in coding exon 11 of the DSG2 gene, results from a T to G substitution at nucleotide position 1592. The phenylalanine at codon 531 is replaced by cysteine, an amino acid with highly dissimilar properties. This variant has been reported in the homozygous state in individuals of Asian background with arrhythmogenic right ventricular cardiomyopathy (ARVC) and segregated with disease in at least one family; however, when detected in the heterozygous state, additional cardiac variants were detected and/or clinical details were limited (Yu CC et al. J. Formos Med Assoc. 2008;107:548-58; Bao J et al. Circ Cardiovasc Genet. 2013;6:552-6; Ohno S et al. Circ J. 2013;77:1534-42; Zhou X et al. Eur J Med Genet. 2015;58(4):258-65; Lin Y et al. Cardiology. 2017;138:41-54; Zhang B et al. BMC Med. 2024 Sep 4;22(1):361). Heterozygous family members have been reported to be unaffected or to have only mild clinical features consistent with ARVC (Lin Y et al. J Electrocardiol , 2018 Jun;51:837-843; Chen L et al. Int. J. Cardiol., 2019 Jan;274:263-270; Chen X et al. Hum Genome Var, 2019 Aug;6:38). An in vivo knock-in mouse model showed affected mice in the homozygous state; however, heterozygous mice were unaffected (Zhang B et al. BMC Med. 2024 Sep 4;22(1):361). This amino acid position is highly conserved in available vertebrate species. In addition, this alteration is predicted to be deleterious by in silico analysis. Although evidence suggests that this alteration may be pathogenic when found in the homozygous state, supporting evidence for a role in autosomal dominant ARVC is limited. Based on the majority of available evidence to date, this variant is likely to be pathogenic in association with autosomal recessive ARVC; however, the clinical significance of this alteration with respect to autosomal dominant ARVC remains unclear.

All of Us Research Program, National Institutes of Health
Classification: Uncertain significance for Arrhythmogenic right ventricular cardiomyopathy. Last evaluated: 2024-06-11. Review status: criteria provided, single submitter. Criteria: ACMG Guidelines, 2015. Collection method: clinical testing. Allele origin: germline. Inheritance: Autosomal dominant inheritance. Observed: 9 variant alleles, 9 heterozygotes.
Comment: This missense variant replaces phenylalanine with cysteine at codon 531 of the DSG2 protein. Computational prediction suggests that this variant may have deleterious impact on protein structure and function (internally defined REVEL score threshold >= 0.7, PMID: 27666373). A study using a homozygous knock-in mouse model has reported that this variant results in a cardiomyopathy phenotype with left ventricular systolic dysfunction (Wang et. al, 2019). This variant has been reported in over ten individuals of East Asian ancestry affected with arrhythmogenic right ventricular cardiomyopathy, either in homozygous or compound heterozygous state (PMID: 18632414, 23514727, 24125834, 25765472, 28578331, 30129429, 30177324, 30454721, 31183845, 31645976; Wang et. al, 2019, DOI 10.1093/eurheartj/ehz746.0202). In these families, over 20 heterozygous family members were reported to be unaffected, while several heterozygotes were reported to be affected with arrhythmogenic right ventricular cardiomyopathy, dilated cardiomyopathy, or sudden unexplained death. This variant has also been identified in 16/280790 chromosomes (16/19518 East Asian chromosomes, 0.0819%) in the general population by the Genome Aggregation Database (gnomAD). The available evidence is insufficient to determine the role of this variant in autosomal dominant arrhythmogenic cardiomyopathy conclusively. Therefore, this variant is classified as a Variant of Uncertain Significance.

This study involves interpretation of variants in research participants for the purpose of population health screening. Participant phenotype was not available at the time of variant classification. Additional details can be found in publication PMID: 35346344, PMCID: PMC8962531

Blueprint Genetics
Classification: Likely pathogenic for DSG2-related disorders. Last evaluated: 2021-12-16. Review status: criteria provided, single submitter. Criteria: ACMG Guidelines, 2015. Collection method: clinical testing. Allele origin: germline. Affected: yes. Observed: 3 variant alleles.

GeneDx
Classification: Uncertain significance. Last evaluated: 2018-06-28. Review status: criteria provided, single submitter. Criteria: GeneDx Variant Classification (06012015). Collection method: clinical testing. Allele origin: germline. Affected: yes.
Comment: The F531C variant of uncertain significance in the DSG2 gene has been previously reported in either the heterozygous or homozygous state in several Asian individuals with definite or suspected ARVC (Yu et al., 2008; Bao et al., 2013a; Bao et al., 2013b; Ohno et al., 2013); however, detailed clinical information and segregation data were not provided for most probands. Furthermore, F531C has been identified in the homozygous state in two other individuals referred for cardiac genetic testing at GeneDx. This variant has also been observed in approximately 0.1% of alleles from individuals of East Asian background in the Exome Aggregation Consortium, indicating it may be a rare benign variant in this population (Lek et al., 2016; Exome Variant Server). Nevertheless, F531C is a non-conservative amino acid substitution, which is likely to impact secondary protein structure as these residues differ in polarity, charge, size and/or other properties. This substitution also occurs at a position that is conserved across species. Moreover, in silico analysis predicts F531C is probably damaging to the protein structure/function.

Biesecker Lab/Clinical Genomics Section, National Institutes of Health
Classification: Likely benign for Dysplasia, arrhythmogenic right ventricular. Last evaluated: 2018-04-05. Review status: criteria provided, single submitter. Criteria: ACMG Guidelines, 2015. Collection method: research. Allele origin: unknown. Affected: no. Observed: 1 variant allele.
Comment: The study set was not selected for affection status in relation to arrhythmia or cardiomyopathy. Pathogenicity categories were based on literature curation. See Pubmed ID:25741868 for details.

Medical sequencing

CHEO Genetics Diagnostic Laboratory, Children's Hospital of Eastern Ontario
Classification: Uncertain significance for Cardiomyopathy. Last evaluated: 2018-03-22. Review status: criteria provided, single submitter. Criteria: ACMG Guidelines, 2015. Collection method: clinical testing. Allele origin: germline.

Laboratory for Molecular Medicine, Mass General Brigham Personalized Medicine
Classification: Uncertain significance. Last evaluated: 2011-12-23. Review status: criteria provided, single submitter. Criteria: LMM Criteria. Collection method: clinical testing. Allele origin: germline. Observed: 1 variant allele.
Comment: Phenylalanine (Phe) at position 531 is highly conserved across evolutionarily distant species, increasing the likelihood that a change would not be tolerated. Computational tools are mixed on the predicted impact to the protein (PolyPhen 2 & SIFT = pathogenic, AlignGVGD = benign), though the accuracy of these tools i s unknown. In summary, the clinical significance of this variant cannot be deter mined at this time.

Juno Genomics, Hangzhou Juno Genomics, Inc
Classification: Likely pathogenic for Arrhythmogenic right ventricular dysplasia 10; Dilated cardiomyopathy 1BB. Review status: criteria provided, single submitter. Criteria: ACMG Guidelines, 2015. Collection method: clinical testing. Allele origin: germline. Affected: yes.
Comment: Absent from controls (or at extremely low frequency if recessive) in Genome Aggregation Database.;Multiple lines of computational evidence support a deleterious effect on the gene or gene product.;For recessive disorders, detected in trans with a pathogenic variant.;Patient's phenotype or family history is highly specific for a disease with a single genetic etiology.;Co-segregation with disease in multiple affected family members.

Literature cited by the submitters: PubMed 35941102 (cited by Victorian Clinical Genetics Services, Murdoch Childrens Research Institute and Ambry Genetics); PubMed 39253717 (cited by 3 submitters); PubMed 18632414 (cited by 7 submitters); PubMed 23071725 (cited by Victorian Clinical Genetics Services, Murdoch Childrens Research Institute); PubMed 37288269 (cited by Victorian Clinical Genetics Services, Murdoch Childrens Research Institute and Ambry Genetics); PubMed 41178662 (cited by Victorian Clinical Genetics Services, Murdoch Childrens Research Institute); PubMed 30177324 (cited by 4 submitters); PubMed 30454721 (cited by 5 submitters); PubMed 23514727 (cited by 4 submitters); PubMed 24125834 (cited by 3 submitters); PubMed 25765472 (cited by 4 submitters); PubMed 28578331 (cited by 4 submitters); PubMed 30129429 (cited by 3 submitters); PubMed 31183845 (cited by Color Diagnostics, LLC DBA Color Health and All of Us Research Program, National Institutes of Health); PubMed 31645976 (cited by 4 submitters); PubMed 24238504 (cited by Labcorp Genetics (formerly Invitae), Labcorp and Ambry Genetics); PubMed 28878402 (cited by Labcorp Genetics (formerly Invitae), Labcorp); PubMed 30830208 (cited by Labcorp Genetics (formerly Invitae), Labcorp and Ambry Genetics); PubMed 23861362 (cited by Ambry Genetics); PubMed 24618965 (cited by Ambry Genetics); PubMed 28288337 (cited by Ambry Genetics); PubMed 29178656 (cited by Ambry Genetics); PubMed 31983221 (cited by Ambry Genetics); PubMed 39227800 (cited by Ambry Genetics).